The following is an entry in ClinVar:

ClinVar aggregate classification (germline): Uncertain significance (1 of 4 stars; one submission).

Conditions:
Zellweger spectrum disorders (ZS). Also called: Zellweger Spectrum Disorder (ZSD); Zellweger syndrome; Zellweger Spectrum Disorder; Zellweger Spectrum. Identifiers: Orphanet 912, MedGen C0043459, MONDO:0019609.

Submission:

Labcorp Genetics (formerly Invitae), Labcorp
Classification: Uncertain significance for Zellweger spectrum disorders. Last evaluated: 2022-07-12. Review status: criteria provided, single submitter. Criteria: Invitae Variant Classification Sherloc (09022015). Collection method: clinical testing. Allele origin: germline.
Comment: This sequence change replaces glutamic acid, which is acidic and polar, with glutamine, which is neutral and polar, at codon 897 of the PEX1 protein (p.Glu897Gln). This variant is not present in population databases (gnomAD no frequency). This variant has not been reported in the literature in individuals affected with PEX1-related conditions. ClinVar contains an entry for this variant (Variation ID: 1440458). Algorithms developed to predict the effect of missense changes on protein structure and function (SIFT, PolyPhen-2, Align-GVGD) all suggest that this variant is likely to be tolerated. In summary, the available evidence is currently insufficient to determine the role of this variant in disease. Therefore, it has been classified as a Variant of Uncertain Significance.

NM_000466.3(PEX1):c.2689G>C (p.Glu897Gln)

Gene: PEX1 (peroxisomal biogenesis factor 1; minus strand). Cytogenetic location: 7q21.2.
Variant type: single nucleotide variant.
Coding change: c.2689G>C on transcript NM_000466.3 (MANE Select); coding-DNA position 2689, G replaced by C.
Protein change: p.Glu897Gln; replaces glutamic acid 897 with glutamine.
Molecular consequence: missense variant.
Genome position (GRCh38, 1-based): chr7:92,499,733, C>G on the plus strand (G>C on the coding strand, the complement: PEX1 is on the minus strand). VCF-style: chr7-92499733-C-G. GRCh37 (hg19) VCF-style: chr7-92129047-C-G.
Other names: c.2518G>C, p.Glu840Gln (NM_001282677.2); c.2065G>C, p.Glu689Gln (NM_001282678.2); short protein forms E840Q, E897Q, E689Q.
Identifiers: ClinVar variation 1440458 (VCV001440458.5), dbSNP rs2116132462, ClinGen allele CA368173355.
Genomic context (GRCh38, chr7:92,499,733, plus strand): 5'-AATAAAAAAAGAAGATAAGTAGACAACATACCTTGACACTTATAAAATTCATTCTACTCT[C>G]TCGTGCAATTACCCCAGCTAGTAAGGTTTTTCCTGTTCCAGGCGGACCATACAACAGTAT-3'
Protein context (NP_000457.1, residues 887-907): KTLLAGVIAR[Glu897Gln]SRMNFISVKG